The following is an entry in ClinVar:

ClinVar aggregate classification (germline): Uncertain significance (1 of 4 stars; one submission).

Conditions:
Joubert syndrome 18 (JBTS18). Identifiers: Orphanet 2754, MedGen C3553758, MONDO:0013896, OMIM 614815.
Orofacial-digital syndrome IV (OFD4). Also called: Orofaciodigital syndrome IV; BARAITSER-BURN SYNDROME; MOHR-MAJEWSKI SYNDROME; OFD SYNDROME WITH TIBIAL DEFECTS; OFD SYNDROME, BARAITSER-BURN TYPE; OFDS IV. Identifiers: Orphanet 2753, MedGen C0406727, MONDO:0009794, OMIM 258860.

Allele frequency attached by ClinVar (database versions not stated): gnomAD exomes below 0.00001; TOPMed below 0.00001.
gnomAD v4.1: 3 of 1,614,048 alleles (0.00019%); highest among the groups gnomAD compares: Non-Finnish European, 0.000085%; no homozygotes.

Submission:

Labcorp Genetics (formerly Invitae), Labcorp
Classification: Uncertain significance for Joubert syndrome 18; Orofacial-digital syndrome IV. Last evaluated: 2022-07-06. Review status: criteria provided, single submitter. Criteria: Invitae Variant Classification Sherloc (09022015). Collection method: clinical testing. Allele origin: germline.
Comment: This sequence change replaces proline, which is neutral and non-polar, with leucine, which is neutral and non-polar, at codon 145 of the TCTN3 protein (p.Pro145Leu). This variant is present in population databases (no rsID available, gnomAD 0.0009%). Algorithms developed to predict the effect of missense changes on protein structure and function are either unavailable or do not agree on the potential impact of this missense change (SIFT: "Deleterious"; PolyPhen-2: "Probably Damaging"; Align-GVGD: "Class C0"). In summary, the available evidence is currently insufficient to determine the role of this variant in disease. Therefore, it has been classified as a Variant of Uncertain Significance. ClinVar contains an entry for this variant (Variation ID: 1485845). This variant has not been reported in the literature in individuals affected with TCTN3-related conditions.

NM_015631.6(TCTN3):c.434C>T (p.Pro145Leu)

Gene: TCTN3 (tectonic family member 3; minus strand). Cytogenetic location: 10q24.1.
Variant type: single nucleotide variant.
Coding change: c.434C>T on transcript NM_015631.6 (MANE Select); coding-DNA position 434, C replaced by T.
Protein change: p.Pro145Leu; replaces proline 145 with leucine.
Molecular consequence: missense variant.
Genome position (GRCh38, 1-based): chr10:95,692,985, G>A on the plus strand (C>T on the coding strand, the complement: TCTN3 is on the minus strand). VCF-style: chr10-95692985-G-A. GRCh37 (hg19) VCF-style: chr10-97452742-G-A.
Other names: c.434C>T, p.Pro145Leu (NM_001143973.2); short protein forms P145L.
Identifiers: ClinVar variation 1485845 (VCV001485845.8), dbSNP rs1489817091, ClinGen allele CA377711146.